The following is an entry in ClinVar:

ClinVar aggregate classification (germline): Likely pathogenic (1 of 4 stars; one submission).

Conditions:
Cystic fibrosis (CF). Also called: MUCOVISCIDOSIS. Identifiers: Orphanet 586, MedGen C0010674, MONDO:0009061, OMIM 219700. Disease mechanism: loss of function.

Submission:

Myriad Genetics, Inc.
Classification: Likely pathogenic for Cystic fibrosis. Last evaluated: 2022-03-15. Review status: criteria provided, single submitter. Criteria: Myriad Women's Health Autosomal Recessive and X-Linked Classification Criteria (2021). Collection method: clinical testing. Allele origin: unknown.
Comment: NM_000492.3(CFTR):c.1547_1550delGATA(R516Tfs*10) is expected to be pathogenic in the context of cystic fibrosis. This variant is predicted to lead to an abnormal or absent protein product due to the creation of a premature termination codon in CFTR, a gene where loss-of-function variants are known to be pathogenic. Please note: this variant was assessed in the context of healthy population screening.

NM_000492.4(CFTR):c.1547_1550del (p.Arg516fs)

Genes: CFTR (CF transmembrane conductance regulator; plus strand), CFTR-AS1 (CFTR antisense RNA 1; minus strand). Cytogenetic location: 7q31.2.
Variant type: Deletion.
Coding change: c.1547_1550del on transcript NM_000492.4 (MANE Select); coding-DNA positions 1547 to 1550, 4 bases deleted (GATA; older notation c.1547_1550delGATA).
Protein change: p.Arg516fs; shifts the reading frame from arginine 516.
Molecular consequence: frameshift variant.
Genome position (GRCh38, 1-based): chr7:117,559,618-117,559,621, GATA deleted; deleting any 4 consecutive bases within chr7:117,559,615-117,559,621 gives the same sequence; the c. name uses the placement nearest the transcript's 3' end. VCF-style (leftmost placement, unchanged base first): chr7-117559614-TATAG-T. GRCh37 (hg19) VCF-style: chr7-117199668-TATAG-T.
Other names: short protein forms R516fs.
Identifiers: ClinVar variation 1725285 (VCV001725285.2), dbSNP rs2485065899, ClinGen allele CA2580076322.